The following is an entry in ClinVar:

NM_001197104.2(KMT2A):c.10844C>T (p.Ala3615Val)

Gene: KMT2A (lysine methyltransferase 2A; plus strand). Cytogenetic location: 11q23.3.
Variant type: single nucleotide variant.
Coding change: c.10844C>T on transcript NM_001197104.2 (MANE Select); coding-DNA position 10844, C replaced by T.
Protein change: p.Ala3615Val; replaces alanine 3615 with valine.
Molecular consequence: missense variant.
Genome position (GRCh38, 1-based): chr11:118,509,144, C>T. VCF-style: chr11-118509144-C-T. GRCh37 (hg19) VCF-style: chr11-118379859-C-T.
Other names: c.10934C>T, p.Ala3645Val (NM_001412597.1); c.10835C>T, p.Ala3612Val (NM_005933.4); short protein forms A3612V, A3615V, A3645V.
Identifiers: ClinVar variation 2846302 (VCV002846302.3), dbSNP rs2134426726, ClinGen allele CA382829424.

ClinVar aggregate classification (germline): Uncertain significance (1 of 4 stars; one submission).

Submission:

Labcorp Genetics (formerly Invitae), Labcorp
Classification: Uncertain significance. Last evaluated: 2023-03-16. Review status: criteria provided, single submitter. Criteria: Invitae Variant Classification Sherloc (09022015). Collection method: clinical testing. Allele origin: germline.
Comment: In summary, the available evidence is currently insufficient to determine the role of this variant in disease. Therefore, it has been classified as a Variant of Uncertain Significance. Advanced modeling of protein sequence and biophysical properties (such as structural, functional, and spatial information, amino acid conservation, physicochemical variation, residue mobility, and thermodynamic stability) performed at Invitae indicates that this missense variant is not expected to disrupt KMT2A protein function. This variant has not been reported in the literature in individuals affected with KMT2A-related conditions. This variant is not present in population databases (gnomAD no frequency). This sequence change replaces alanine, which is neutral and non-polar, with valine, which is neutral and non-polar, at codon 3615 of the KMT2A protein (p.Ala3615Val).